The following is an entry in ClinVar:

ClinVar aggregate classification (germline): Uncertain significance (1 of 4 stars; one submission).

Conditions:
Thrombophilia due to protein S deficiency, autosomal recessive (THPH6). Identifiers: Orphanet 743, MedGen C3281092, MONDO:0013791, OMIM 614514. Disease mechanism: loss of function.

Allele frequency attached by ClinVar (database versions not stated): ExAC 0.00001; gnomAD exomes 0.00001.
gnomAD v4.1: 8 of 1,613,438 alleles (0.0005%); highest among the groups gnomAD compares: Non-Finnish European, 0.00068%; no homozygotes.

Submission:

Labcorp Genetics (formerly Invitae), Labcorp
Classification: Uncertain significance for Thrombophilia due to protein S deficiency, autosomal recessive. Last evaluated: 2023-09-25. Review status: criteria provided, single submitter. Criteria: Invitae Variant Classification Sherloc (09022015). Collection method: clinical testing. Allele origin: germline.
Comment: This sequence change replaces serine, which is neutral and polar, with leucine, which is neutral and non-polar, at codon 665 of the PROS1 protein (p.Ser665Leu). This variant is present in population databases (rs778685576, gnomAD 0.0009%). In summary, the available evidence is currently insufficient to determine the role of this variant in disease. Therefore, it has been classified as a Variant of Uncertain Significance. Advanced modeling of protein sequence and biophysical properties (such as structural, functional, and spatial information, amino acid conservation, physicochemical variation, residue mobility, and thermodynamic stability) has been performed at Invitae for this missense variant, however the output from this modeling did not meet the statistical confidence thresholds required to predict the impact of this variant on PROS1 protein function. This variant is also known as p.Ser624Leu. This missense change has been observed in individual(s) with protein S deficiency (PMID: 8781426).

Literature cited by the submitters: PubMed 8781426.

NM_000313.4(PROS1):c.1994C>T (p.Ser665Leu)

Gene: PROS1 (protein S; minus strand). Cytogenetic location: 3q11.1.
Variant type: single nucleotide variant.
Coding change: c.1994C>T on transcript NM_000313.4 (MANE Select); coding-DNA position 1994, C replaced by T.
Protein change: p.Ser665Leu; replaces serine 665 with leucine.
Molecular consequence: missense variant.
Genome position (GRCh38, 1-based): chr3:93,874,282, G>A on the plus strand (C>T on the coding strand, the complement: PROS1 is on the minus strand). VCF-style: chr3-93874282-G-A. GRCh37 (hg19) VCF-style: chr3-93593126-G-A.
Other names: c.2090C>T, p.Ser697Leu (NM_001314077.2); short protein forms S665L, S697L.
Identifiers: ClinVar variation 2734544 (VCV002734544.3), dbSNP rs778685576, ClinGen allele CA2503058.